The following is an entry in ClinVar:

NM_014915.3(ANKRD26):c.3218T>C (p.Leu1073Pro)

Gene: ANKRD26 (ankyrin repeat domain 26; minus strand). Cytogenetic location: 10p12.1.
Variant type: single nucleotide variant.
Coding change: c.3218T>C on transcript NM_014915.3 (MANE Select); coding-DNA position 3218, T replaced by C.
Protein change: p.Leu1073Pro; replaces leucine 1073 with proline.
Molecular consequence: missense variant.
Genome position (GRCh38, 1-based): chr10:27,035,232, A>G on the plus strand (T>C on the coding strand, the complement: ANKRD26 is on the minus strand). VCF-style: chr10-27035232-A-G. GRCh37 (hg19) VCF-style: chr10-27324161-A-G.
Other names: c.3215T>C, p.Leu1072Pro (NM_001256053.2); short protein forms L1072P, L1073P.
Identifiers: ClinVar variation 878852 (VCV000878852.6), dbSNP rs2054004758, ClinGen allele CA376363666.

ClinVar aggregate classification (germline): Uncertain significance. Review status: criteria provided, multiple submitters, no conflicts (2 of 4 stars). 3 submissions from 3 submitters: Uncertain significance (3). Last evaluated 2025-11-25.

Conditions:
Thrombocytopenia 2 (THC2). Also called: ANKRD26-Related Thrombocytopenia. Identifiers: Orphanet 268322, MedGen C1861185, MONDO:0008555, OMIM 188000.
Inborn genetic diseases. Identifiers: MedGen C0950123, MeSH D030342.

Submissions (3):

Labcorp Genetics (formerly Invitae), Labcorp
Classification: Uncertain significance. Last evaluated: 2025-11-25. Review status: criteria provided, single submitter. Criteria: Invitae Variant Classification Sherloc (09022015). Collection method: clinical testing. Allele origin: germline.
Comment: This sequence change replaces leucine, which is neutral and non-polar, with proline, which is neutral and non-polar, at codon 1073 of the ANKRD26 protein (p.Leu1073Pro). This variant is not present in population databases (gnomAD no frequency). This variant has not been reported in the literature in individuals affected with ANKRD26-related conditions. ClinVar contains an entry for this variant (Variation ID: 878852). An algorithm developed to predict the effect of missense changes on protein structure and function (PolyPhen-2) suggests that this variant is likely to be disruptive. In summary, the available evidence is currently insufficient to determine the role of this variant in disease. Therefore, it has been classified as a Variant of Uncertain Significance.

Ambry Genetics
Classification: Uncertain significance for Inborn genetic diseases. Last evaluated: 2025-06-02. Review status: criteria provided, single submitter. Criteria: Ambry Variant Classification Scheme 2023. Collection method: clinical testing. Allele origin: germline.
Comment: The p.L1073P variant (also known as c.3218T>C), located in coding exon 24 of the ANKRD26 gene, results from a T to C substitution at nucleotide position 3218. The leucine at codon 1073 is replaced by proline, an amino acid with similar properties. This amino acid position is conserved. In addition, this alteration is predicted to be tolerated by in silico analysis. Based on the available evidence, the clinical significance of this variant remains unclear.

Illumina Laboratory Services, Illumina
Classification: Uncertain significance for Thrombocytopenia 2. Last evaluated: 2018-01-13. Review status: criteria provided, single submitter. Criteria: ICSL Variant Classification Criteria 13 December 2019. Collection method: clinical testing. Allele origin: germline.